The following is an entry in ClinVar:

ClinVar aggregate classification (germline): Uncertain significance (1 of 4 stars; one submission).

Conditions:
Desmin-related myofibrillar myopathy (MFM1). Also called: Desminopathy; Desmin related myopathy (former name); Desmin storage myopathy (former name); MYOFIBRILLAR MYOPATHY WITH ARRHYTHMOGENIC RIGHT VENTRICULAR CARDIOMYOPATHY; DESMIN-RELATED MYOPATHY WITH ARRHYTHMOGENIC RIGHT VENTRICULAR CARDIOMYOPATHY; Myofibrillar myopathy 1. Identifiers: Orphanet 363543, Orphanet 98909, MedGen C1832370, MONDO:0011076, OMIM 601419.

Submission:

Labcorp Genetics (formerly Invitae), Labcorp
Classification: Uncertain significance for Desmin-related myofibrillar myopathy. Last evaluated: 2022-10-23. Review status: criteria provided, single submitter. Criteria: Invitae Variant Classification Sherloc (09022015). Collection method: clinical testing. Allele origin: germline.
Comment: In summary, the available evidence is currently insufficient to determine the role of this variant in disease. Therefore, it has been classified as a Variant of Uncertain Significance. Advanced modeling of protein sequence and biophysical properties (such as structural, functional, and spatial information, amino acid conservation, physicochemical variation, residue mobility, and thermodynamic stability) performed at Invitae indicates that this missense variant is not expected to disrupt DES protein function. This variant has not been reported in the literature in individuals affected with DES-related conditions. This variant is not present in population databases (gnomAD no frequency). This sequence change replaces aspartic acid, which is acidic and polar, with glutamic acid, which is acidic and polar, at codon 312 of the DES protein (p.Asp312Glu).

NM_001927.4(DES):c.936C>A (p.Asp312Glu)

Gene: DES (desmin; plus strand). Cytogenetic location: 2q35.
Variant type: single nucleotide variant.
Coding change: c.936C>A on transcript NM_001927.4 (MANE Select); coding-DNA position 936, C replaced by A.
Protein change: p.Asp312Glu; replaces aspartic acid 312 with glutamic acid.
Molecular consequence: missense variant. On other transcripts: intron variant (1).
Genome position (GRCh38, 1-based): chr2:219,420,866, C>A. VCF-style: chr2-219420866-C-A. GRCh37 (hg19) VCF-style: chr2-220285588-C-A.
Other names: c.933C>A, p.Asp311Glu (NM_001382708.1); c.936C>A, p.Asp312Glu (NM_001382710.1, NM_001382711.1, NM_001382712.1); c.666C>A, p.Asp222Glu (NM_001382713.1); c.735+520C>A (NM_001382709.1); short protein forms D222E, D311E, D312E.
Identifiers: ClinVar variation 1722072 (VCV001722072.6), dbSNP rs769213907, ClinGen allele CA350692575.